The following is an entry in ClinVar:

NM_000383.4(AIRE):c.1116G>A (p.Ser372=)

Gene: AIRE (autoimmune regulator; plus strand). Cytogenetic location: 21q22.3.
Variant type: single nucleotide variant.
Coding change: c.1116G>A on transcript NM_000383.4 (MANE Select); coding-DNA position 1116, G replaced by A.
Protein change: p.Ser372=; no amino-acid change (serine 372 retained).
Molecular consequence: synonymous variant.
Genome position (GRCh38, 1-based): chr21:44,293,013, G>A. VCF-style: chr21-44293013-G-A. GRCh37 (hg19) VCF-style: chr21-45712896-G-A.
Other names: p.Ser372=.
Identifiers: ClinVar variation 711517 (VCV000711517.18), dbSNP rs61737006, ClinGen allele CA10051954.

ClinVar aggregate classification (germline): Benign/Likely benign. Review status: criteria provided, multiple submitters, no conflicts (2 of 4 stars). 6 submissions from 6 submitters: Benign (3); Likely benign (2). 1 of the submissions does not count toward it. Last evaluated 2026-01-28.

Conditions:
Polyglandular autoimmune syndrome, type 1 (APS1). Also called: Whitaker syndrome; HYPOADRENOCORTICISM WITH HYPOPARATHYROIDISM AND SUPERFICIAL MONILIASIS; Autoimmune polyendocrinopathy syndrome , type I, with or without reversible metaphyseal dysplasia; PGA I; AUTOIMMUNE POLYENDOCRINE SYNDROME, TYPE I, WITH OR WITHOUT REVERSIBLE METAPHYSEAL DYSPLASIA; APS I. Identifiers: Orphanet 3453, MedGen C0085859, MONDO:0009411, OMIM 240300.

Allele frequency attached by ClinVar (database versions not stated): gnomAD exomes 0.00029 and 0.00075; ExAC 0.00098; 1000 Genomes Project 30x 0.00265; 1000 Genomes Project 0.00280; gnomAD 0.00284 and 0.00304; ESP Exome Variant Server 0.00315; TOPMed 0.00357.
gnomAD v4.1: 873 of 1,612,478 alleles (0.054%); highest among the groups gnomAD compares: African/African-American, 1%; 4 homozygotes.

Submissions (7):

Labcorp Genetics (formerly Invitae), Labcorp
Classification: Benign for Polyglandular autoimmune syndrome, type 1. Last evaluated: 2026-01-28. Review status: criteria provided, single submitter. Criteria: Invitae Variant Classification Sherloc (09022015). Collection method: clinical testing. Allele origin: germline.

Mayo Clinic Laboratories, Mayo Clinic
Classification: Benign. Last evaluated: 2025-09-03. Review status: criteria provided, single submitter. Criteria: ACMG Guidelines, 2015. Collection method: clinical testing. Allele origin: germline. Observed: 1 variant allele.
Comment: BS1, BS2, BP4, BP7

Blueprint Genetics
Classification: Likely benign. Last evaluated: 2024-10-16. Review status: criteria provided, single submitter. Criteria: ACMG Guidelines, 2015. Collection method: clinical testing. Allele origin: germline.

Genetic Services Laboratory, University of Chicago
Classification: Benign. Last evaluated: 2021-08-17. Review status: criteria provided, single submitter. Criteria: ACMG Guidelines, 2015. Collection method: clinical testing. Allele origin: germline. Affected: no.

Women's Health and Genetics/Laboratory Corporation of America, LabCorp
Classification: Likely benign. Last evaluated: 2021-02-09. Review status: criteria provided, single submitter. Criteria: LabCorp Variant Classification Summary - May 2015. Collection method: clinical testing. Allele origin: germline.

Natera, Inc.
Classification: Benign for Polyglandular autoimmune syndrome type 1. Last evaluated: 2019-11-11. Review status: no assertion criteria provided. Collection method: clinical testing. Allele origin: germline. Not counted in ClinVar's aggregate classification.

Dr. Peter K. Rogan Lab, Western University
No classification provided (evidence only). Condition: Familial cancer of breast. Review status: no classification provided. Collection method: in vitro. Allele origin: not applicable. Functional consequence: retained intron. Not counted in ClinVar's aggregate classification.